The following is an entry in ClinVar:

ClinVar aggregate classification (germline): Likely benign (1 of 4 stars; one submission).

gnomAD v4.1: 4 of 164,770 alleles (0.0024%); highest among the groups gnomAD compares: Non-Finnish European, 0.005%; no homozygotes.

Submission:

CeGaT Center for Human Genetics Tuebingen
Classification: Likely benign. Last evaluated: 2024-07-01. Review status: criteria provided, single submitter. Criteria: CeGaT Center For Human Genetics Tuebingen Variant Classification Criteria Version 2. Collection method: clinical testing. Allele origin: germline. Affected: yes. Observed: 1 variant allele.
Comment: EEF1A2: BP4, BP7

NM_001958.5(EEF1A2):c.*215C>G

Gene: EEF1A2 (eukaryotic translation elongation factor 1 alpha 2; minus strand). Cytogenetic location: 20q13.33.
Variant type: single nucleotide variant.
Coding change: c.*215C>G on transcript NM_001958.5 (MANE Select); 215 bases downstream of the stop codon, C replaced by G.
Molecular consequence: 3 prime UTR variant.
Genome position (GRCh38, 1-based): chr20:63,488,083, G>C on the plus strand (C>G on the coding strand, the complement: EEF1A2 is on the minus strand). VCF-style: chr20-63488083-G-C. GRCh37 (hg19) VCF-style: chr20-62119436-G-C.
Identifiers: ClinVar variation 3257266 (VCV003257266.17).